The following is an entry in ClinVar:

ClinVar aggregate classification (germline): Benign/Likely benign. Review status: criteria provided, multiple submitters, no conflicts (2 of 4 stars). 6 submissions from 6 submitters: Benign (2); Likely benign (3). 1 of the submissions does not count toward it. Last evaluated 2026-01-05.

Conditions:
KMT2D-related disorder. Also called: KMT2D-Related Disorders.
Kabuki syndrome. Also called: NIIKAWA-KUROKI SYNDROME; Kabuki make-up syndrome. Identifiers: Orphanet 2322, MedGen C0796004, MONDO:0016512.

Allele frequency attached by ClinVar (database versions not stated): 1000 Genomes Project 30x 0.00016; TOPMed 0.00017; gnomAD 0.00019 and 0.00020; 1000 Genomes Project 0.00020; gnomAD exomes 0.00024; ESP Exome Variant Server 0.00050.
gnomAD v4.1: 379 of 1,611,916 alleles (0.024%); highest among the groups gnomAD compares: South Asian, 0.13%; 1 homozygote.

Submissions (6):

Labcorp Genetics (formerly Invitae), Labcorp
Classification: Likely benign for Kabuki syndrome. Last evaluated: 2026-01-05. Review status: criteria provided, single submitter. Criteria: Invitae Variant Classification Sherloc (09022015). Collection method: clinical testing. Allele origin: germline.

CeGaT Center for Human Genetics Tuebingen
Classification: Likely benign. Last evaluated: 2025-09-01. Review status: criteria provided, single submitter. Criteria: CeGaT Center For Human Genetics Tuebingen Variant Classification Criteria Version 2. Collection method: clinical testing. Allele origin: germline. Affected: yes. Observed: 5 variant alleles.
Comment: KMT2D: BP4, BP7

Blueprint Genetics
Classification: Likely benign. Last evaluated: 2024-09-10. Review status: criteria provided, single submitter. Criteria: ACMG Guidelines, 2015. Collection method: clinical testing. Allele origin: germline.

GeneDx
Classification: Benign. Last evaluated: 2020-10-10. Review status: criteria provided, single submitter. Criteria: GeneDx Variant Classification Process June 2021. Collection method: clinical testing. Allele origin: germline. Affected: yes.

Eurofins Ntd Llc (ga)
Classification: Benign. Last evaluated: 2017-04-17. Review status: criteria provided, single submitter. Criteria: EGL Classification Definitions 2015. Collection method: clinical testing. Allele origin: germline. Observed: 2 variant alleles, 2 heterozygotes.

PreventionGenetics, part of Exact Sciences
Classification: Likely benign for KMT2D-related condition. Last evaluated: 2020-07-20. Review status: no assertion criteria provided. Collection method: clinical testing. Allele origin: germline. Not counted in ClinVar's aggregate classification.
Comment: This variant is classified as likely benign based on ACMG/AMP sequence variant interpretation guidelines (Richards et al. 2015 PMID: 25741868, with internal and published modifications).

NM_003482.4(KMT2D):c.2838G>A (p.Ala946=)

Gene: KMT2D (lysine methyltransferase 2D; minus strand). Cytogenetic location: 12q13.12.
Variant type: single nucleotide variant.
Coding change: c.2838G>A on transcript NM_003482.4 (MANE Select); coding-DNA position 2838, G replaced by A.
Protein change: p.Ala946=; no amino-acid change (alanine 946 retained).
Molecular consequence: synonymous variant.
Genome position (GRCh38, 1-based): chr12:49,050,750, C>T on the plus strand (G>A on the coding strand, the complement: KMT2D is on the minus strand). VCF-style: chr12-49050750-C-T. GRCh37 (hg19) VCF-style: chr12-49444533-C-T.
Identifiers: ClinVar variation 94207 (VCV000094207.46), dbSNP rs376753331, ClinGen allele CA222064.